The following is an entry in ClinVar:

ClinVar aggregate classification (germline): Uncertain significance (1 of 4 stars; one submission).

Submission:

Labcorp Genetics (formerly Invitae), Labcorp
Classification: Uncertain significance. Last evaluated: 2024-10-31. Review status: criteria provided, single submitter. Criteria: Invitae Variant Classification Sherloc (09022015). Collection method: clinical testing. Allele origin: germline.
Comment: This sequence change results in a frameshift in the P2RY12 gene (p.Gln324Argfs*24). While this is not anticipated to result in nonsense mediated decay, it is expected to disrupt the last 19 amino acid(s) of the P2RY12 protein and extend the protein by 4 additional amino acid residues. This variant is not present in population databases (gnomAD no frequency). This variant has not been reported in the literature in individuals affected with P2RY12-related conditions. In summary, the available evidence is currently insufficient to determine the role of this variant in disease. Therefore, it has been classified as a Variant of Uncertain Significance.

NM_022788.5(P2RY12):c.971del (p.Gln324fs)

Genes: MED12L (mediator complex subunit 12L; plus strand), P2RY12 (purinergic receptor P2Y12; minus strand). Cytogenetic location: 3q25.1.
Variant type: Deletion.
Coding change: c.971del on transcript NM_022788.5 (MANE Select); coding-DNA position 971, one base deleted (A; older notation c.971delA).
Protein change: p.Gln324fs; shifts the reading frame from glutamine 324.
Molecular consequence: frameshift variant. On other transcripts: intron variant (2).
Genome position (GRCh38, 1-based): chr3:151,337,875, T deleted on the plus strand (A on the coding strand, the reverse complement: P2RY12 is on the minus strand). VCF-style (leftmost placement, unchanged base first): chr3-151337874-CT-C. GRCh37 (hg19) VCF-style: chr3-151055662-CT-C.
Other names: c.971del, p.Gln324fs (NM_176876.3); c.2251-12184del (NM_001393769.1); c.2146-12184del (NM_053002.6); short protein forms Q324fs.
Identifiers: ClinVar variation 3723519 (VCV003723519.2).